The following is an entry in ClinVar:

NM_020461.4(TUBGCP6):c.4955-15_4955-2del

Gene: TUBGCP6 (tubulin gamma complex component 6; minus strand). Cytogenetic location: 22q13.33.
Variant type: Deletion.
Coding change: c.4955-15_4955-2del on transcript NM_020461.4 (MANE Select); 15 bases into the intron before coding-DNA position 4955 through the canonical splice acceptor site of the intron before coding-DNA position 4955, 14 bases deleted (TCTGCCCTCCGCCA).
Molecular consequence: splice acceptor variant.
Genome position (GRCh38, 1-based): chr22:50,218,404-50,218,417, TGGCGGAGGGCAGA deleted on the plus strand (TCTGCCCTCCGCCA on the coding strand, the reverse complement: TUBGCP6 is on the minus strand). VCF-style (leftmost placement, unchanged base first): chr22-50218403-CTGGCGGAGGGCAGA-C. GRCh37 (hg19) VCF-style: chr22-50656832-CTGGCGGAGGGCAGA-C.
Identifiers: ClinVar variation 504387 (VCV000504387.9), dbSNP rs762453492, ClinGen allele CA10307223.
Genomic context (GRCh38, chr22:50,218,403, plus strand): 5'-CGTGCTTGAACAGCTGCAGCTGACGGAACTGCACAGAGCCGGCCATGTGGCTCAGCAGGG[CTGGCGGAGGGCAGA>C]AGGCAGAGGGCAGAGGTGAGCGCAGCCTCCAGCCAGGGGTGCGGGGCGCCGGGCTCCAGC-3'

ClinVar aggregate classification (germline): Likely pathogenic. Review status: criteria provided, multiple submitters, no conflicts (2 of 4 stars). 2 submissions from 2 submitters: Likely pathogenic (2). Last evaluated 2024-10-26.

Allele frequency attached by ClinVar (database versions not stated): gnomAD exomes below 0.00001 and 0.00001; TOPMed below 0.00001; gnomAD 0.00001; ExAC 0.00002.

Submissions (2):

Labcorp Genetics (formerly Invitae), Labcorp
Classification: Likely pathogenic. Last evaluated: 2024-10-26. Review status: criteria provided, single submitter. Criteria: Invitae Variant Classification Sherloc (09022015). Collection method: clinical testing. Allele origin: germline.
Comment: This sequence change affects a splice site in intron 22 of the TUBGCP6 gene. It is expected to disrupt RNA splicing. Variants that disrupt the donor or acceptor splice site typically lead to a loss of protein function (PMID: 16199547), and loss-of-function variants in TUBGCP6 are known to be pathogenic (PMID: 25344692). This variant is present in population databases (rs762453492, gnomAD 0.009%). This variant has not been reported in the literature in individuals affected with TUBGCP6-related conditions. ClinVar contains an entry for this variant (Variation ID: 504387). In summary, the currently available evidence indicates that the variant is pathogenic, but additional data are needed to prove that conclusively. Therefore, this variant has been classified as Likely Pathogenic.

GeneDx
Classification: Likely pathogenic. Last evaluated: 2018-02-27. Review status: criteria provided, single submitter. Criteria: GeneDx Variant Classification (06012015). Collection method: clinical testing. Allele origin: germline. Affected: yes.
Comment: A variant that is likely pathogenic has been identified in the TUBGCP6 gene. The c.4955-15_4955-2del14 variant has not been published as a pathogenic variant, nor has it been reported as a benign variant to our knowledge. This variant is not observed at a significant frequency in large population cohorts (Lek et al., 2016). Thec.4955-15_4955-2del14 variant destroys the canonical splice acceptor site in intron 22. It is predicted to cause abnormal gene splicing, either leading to an abnormal message that is subject to nonsense-mediated mRNA decay, or to an abnormal protein product if the message is used for protein translation. Therefore, this variant is likely pathogenic; however, the possibility that is is benign cannot be excluded.

Literature cited by the submitters: PubMed 16199547 (cited by Labcorp Genetics (formerly Invitae), Labcorp); PubMed 25344692 (cited by Labcorp Genetics (formerly Invitae), Labcorp).